The following is an entry in ClinVar:

NM_000061.3(BTK):c.588+2T>C

Gene: BTK (Bruton tyrosine kinase; minus strand). Cytogenetic location: Xq22.1.
Variant type: single nucleotide variant.
Coding change: c.588+2T>C on transcript NM_000061.3 (MANE Select); the canonical splice donor site of the intron after coding-DNA position 588, T replaced by C.
Molecular consequence: splice donor variant.
Genome position (GRCh38, 1-based): chrX:101,362,171, A>G on the plus strand (T>C on the coding strand, the complement: BTK is on the minus strand). VCF-style: chrX-101362171-A-G. GRCh37 (hg19) VCF-style: chrX-100617159-A-G.
Other names: c.690+2T>C (NM_001287344.2); c.588+2T>C (NM_001287345.2).
Identifiers: ClinVar variation 2431606 (VCV002431606.1), dbSNP rs1555978777, ClinGen allele CA413933896.

ClinVar aggregate classification (germline): Pathogenic (1 of 4 stars; one submission).

Conditions:
X-linked agammaglobulinemia (XLA). Also called: Agammaglobulinemia, Bruton tyrosine kinase; Agammaglobulinemia, BTK; BTK-deficiency; Bruton's agammaglobulinemia; IMMUNODEFICIENCY 1; AGAMMAGLOBULINEMIA, X-LINKED, TYPE 1. Identifiers: Orphanet 229717, Orphanet 47, MedGen C0221026, MONDO:0010421, OMIM 300755.

Submission:

Laboratorio de Genetica e Diagnostico Molecular, Hospital Israelita Albert Einstein
Classification: Pathogenic for X-linked agammaglobulinemia. Last evaluated: 2022-05-31. Review status: criteria provided, single submitter. Criteria: ACMG Guidelines, 2015. Collection method: clinical testing. Allele origin: germline. Affected: yes. Observed: 1 variant allele.
Comment: ACMG classification criteria: PVS1 very strong, PS4 supporting, PM2 moderated